The following is an entry in ClinVar:

ClinVar aggregate classification (germline): Uncertain significance (1 of 4 stars; one submission).

Submission:

Labcorp Genetics (formerly Invitae), Labcorp
Classification: Uncertain significance. Last evaluated: 2024-10-30. Review status: criteria provided, single submitter. Criteria: Invitae Variant Classification Sherloc (09022015). Collection method: clinical testing. Allele origin: germline.
Comment: This sequence change replaces glycine, which is neutral and non-polar, with arginine, which is basic and polar, at codon 118 of the ITSN2 protein (p.Gly118Arg). This variant also falls at the last nucleotide of exon 5, which is part of the consensus splice site for this exon. This variant is not present in population databases (gnomAD no frequency). This variant has not been reported in the literature in individuals affected with ITSN2-related conditions. An algorithm developed to predict the effect of missense changes on protein structure and function (PolyPhen-2) suggests that this variant is likely to be disruptive. Variants that disrupt the consensus splice site are a relatively common cause of aberrant splicing (PMID: 17576681, 9536098). Algorithms developed to predict the effect of sequence changes on RNA splicing suggest that this variant may create or strengthen a splice site. In summary, the available evidence is currently insufficient to determine the role of this variant in disease. Therefore, it has been classified as a Variant of Uncertain Significance.

Literature cited by the submitters: PubMed 17576681; PubMed 9536098.

NM_006277.3(ITSN2):c.352G>A (p.Gly118Arg)

Gene: ITSN2 (intersectin 2; minus strand). Cytogenetic location: 2p23.3.
Variant type: single nucleotide variant.
Coding change: c.352G>A on transcript NM_006277.3 (MANE Select); coding-DNA position 352, G replaced by A.
Protein change: p.Gly118Arg; replaces glycine 118 with arginine.
Molecular consequence: missense variant.
Genome position (GRCh38, 1-based): chr2:24,312,212, C>T on the plus strand (G>A on the coding strand, the complement: ITSN2 is on the minus strand). VCF-style: chr2-24312212-C-T. GRCh37 (hg19) VCF-style: chr2-24535081-C-T.
Other names: c.310G>A, p.Gly104Arg (NM_001348181.2, NM_001348184.2); c.352G>A, p.Gly118Arg (NM_001348182.2, NM_001348183.2, NM_001348185.2 and 3 more transcripts); short protein forms G118R, G104R.
Identifiers: ClinVar variation 3662661 (VCV003662661.2).